The following is an entry in ClinVar:

ClinVar aggregate classification (germline): Pathogenic. Review status: reviewed by expert panel (3 of 4 stars). 2 submissions from 2 submitters: Pathogenic (1). 1 of the submissions does not count toward it. Last evaluated 2016-10-18.

Conditions:
Breast-ovarian cancer, familial, susceptibility to, 1 (BROVCA1). Also called: BRCA1 Hereditary Breast and Ovarian Cancer; OVARIAN CANCER, SUSCEPTIBILITY TO. Identifiers: Orphanet 145, MedGen C2676676, MONDO:0011450, OMIM 604370. Disease mechanism: loss of function.

Submissions (2):

Evidence-based Network for the Interpretation of Germline Mutant Alleles (ENIGMA)
Classification: Pathogenic for Breast-ovarian cancer, familial, susceptibility to, 1. Last evaluated: 2016-10-18. Review status: reviewed by expert panel. Criteria: ENIGMA BRCA1/2 Classification Criteria (2015). Collection method: curation. Allele origin: germline.
Comment: Variant allele predicted to encode a truncated non-functional protein.

Consortium of Investigators of Modifiers of BRCA1/2 (CIMBA), c/o University of Cambridge
Classification: Pathogenic for Breast-ovarian cancer, familial, susceptibility to, 1. Last evaluated: 2015-10-02. Review status: criteria provided, single submitter. Criteria: CIMBA Mutation Classification guidelines May 2016. Collection method: clinical testing. Allele origin: germline. Not counted in ClinVar's aggregate classification.

NM_007294.4(BRCA1):c.5548del (p.Leu1850fs)

Gene: BRCA1 (BRCA1 DNA repair associated; minus strand). Cytogenetic location: 17q21.31.
Variant type: Deletion.
Coding change: c.5548del on transcript NM_007294.4 (MANE Select); coding-DNA position 5548, one base deleted (C; older notation c.5548delC).
Protein change: p.Leu1850fs; shifts the reading frame from leucine 1850.
Molecular consequence: frameshift variant. On other transcripts: 3 prime UTR variant (1), non-coding transcript variant (1).
Genome position (GRCh38, 1-based): chr17:43,045,722, G deleted on the plus strand (C on the coding strand, the reverse complement: BRCA1 is on the minus strand). VCF-style (leftmost placement, unchanged base first): chr17-43045721-AG-A. GRCh37 (hg19) VCF-style: chr17-41197738-AG-A.
Other names: 5667delC; c.5335delC, p.Leu1779Trpfs (NM_001407571.1, NM_001407894.1, NM_001407895.1 and 12 more transcripts); c.5614delC, p.Leu1872Trpfs (NM_001407581.1, NM_001407582.1); c.5611delC, p.Leu1871Trpfs (NM_001407583.1, NM_001407585.1, NM_001407587.1); c.5608delC, p.Leu1870Trpfs (NM_001407590.1, NM_001407591.1); c.5548delC, p.Leu1850Trpfs (NM_001407593.1, NM_001407594.1, NM_001407596.1 and 5 more transcripts); c.5545delC, p.Leu1849Trpfs (NM_001407610.1, NM_001407611.1, NM_001407612.1 and 14 more transcripts); c.5542delC, p.Leu1848Trpfs (NM_001407627.1, NM_001407628.1, NM_001407629.1 and 13 more transcripts); and 78 more; short protein forms L1803fs, L1850fs, L1871fs, L746fs.
Identifiers: ClinVar variation 55623 (VCV000055623.7), dbSNP rs397509296, ClinGen allele CA003707.